The following is an entry in ClinVar:

NM_018475.5(TMEM165):c.824T>C (p.Val275Ala)

Gene: TMEM165 (transmembrane protein 165; plus strand). Cytogenetic location: 4q12.
Variant type: single nucleotide variant.
Coding change: c.824T>C on transcript NM_018475.5 (MANE Select); coding-DNA position 824, T replaced by C.
Protein change: p.Val275Ala; replaces valine 275 with alanine.
Molecular consequence: missense variant. On other transcripts: non-coding transcript variant (1).
Genome position (GRCh38, 1-based): chr4:55,424,569, T>C. VCF-style: chr4-55424569-T-C. GRCh37 (hg19) VCF-style: chr4-56290736-T-C.
Other names: c.824T>C (NM_018475.3); short protein forms V275A.
Identifiers: ClinVar variation 1349506 (VCV001349506.6), dbSNP rs1455810384, ClinGen allele CA356905108.

ClinVar aggregate classification (germline): Uncertain significance. Review status: criteria provided, multiple submitters, no conflicts (2 of 4 stars). 2 submissions from 2 submitters: Uncertain significance (2). Last evaluated 2022-12-15.

Conditions:
TMEM165-congenital disorder of glycosylation. Also called: CDG IIk; TMEM165-CDG; Congenital disorder of glycosylation type 2k. Identifiers: Orphanet 314667, MedGen C3553571, MONDO:0013870, OMIM 614727.

Allele frequency attached by ClinVar (database versions not stated): gnomAD exomes below 0.00001 and 0.00001; TOPMed 0.00001.

Submissions (2):

Ambry Genetics
Classification: Uncertain significance. Last evaluated: 2022-12-15. Review status: criteria provided, single submitter. Criteria: Ambry Variant Classification Scheme 2023. Collection method: clinical testing. Allele origin: germline.

Labcorp Genetics (formerly Invitae), Labcorp
Classification: Uncertain significance for TMEM165-congenital disorder of glycosylation. Last evaluated: 2022-07-06. Review status: criteria provided, single submitter. Criteria: Invitae Variant Classification Sherloc (09022015). Collection method: clinical testing. Allele origin: germline.
Comment: This sequence change replaces valine, which is neutral and non-polar, with alanine, which is neutral and non-polar, at codon 275 of the TMEM165 protein (p.Val275Ala). This variant is present in population databases (no rsID available, gnomAD 0.0009%). This variant has not been reported in the literature in individuals affected with TMEM165-related conditions. ClinVar contains an entry for this variant (Variation ID: 1349506). Algorithms developed to predict the effect of missense changes on protein structure and function are either unavailable or do not agree on the potential impact of this missense change (SIFT: "Deleterious"; PolyPhen-2: "Benign"; Align-GVGD: "Class C0"). In summary, the available evidence is currently insufficient to determine the role of this variant in disease. Therefore, it has been classified as a Variant of Uncertain Significance.